The following is an entry in ClinVar:

ClinVar aggregate classification (germline): Uncertain significance. Review status: criteria provided, multiple submitters, no conflicts (2 of 4 stars). 2 submissions from 2 submitters: Uncertain significance (2). Last evaluated 2024-09-04.

Conditions:
Familial thoracic aortic aneurysm and aortic dissection (TAAD). Also called: Thoracic aortic aneurysms and dissections. Identifiers: Orphanet 91387, MedGen C4707243, MONDO:0019625.

Allele frequency attached by ClinVar (database versions not stated): gnomAD 0.00001.
gnomAD v4.1: 1 of 1,614,074 alleles (0.000062%); no homozygotes.

Submissions (2):

Ambry Genetics
Classification: Uncertain significance for Familial thoracic aortic aneurysm and aortic dissection. Last evaluated: 2024-09-04. Review status: criteria provided, single submitter. Criteria: Ambry Variant Classification Scheme 2023. Collection method: clinical testing. Allele origin: germline.
Comment: The p.E523D variant (also known as c.1569G>C), located in coding exon 12 of the MYH11 gene, results from a G to C substitution at nucleotide position 1569. The glutamic acid at codon 523 is replaced by aspartic acid, an amino acid with highly similar properties. This amino acid position is conserved. In addition, the in silico prediction for this alteration is inconclusive. Based on the available evidence, the clinical significance of this variant remains unclear.

All of Us Research Program, National Institutes of Health
Classification: Uncertain significance for Familial thoracic aortic aneurysm and aortic dissection. Last evaluated: 2023-06-26. Review status: criteria provided, single submitter. Criteria: ACMG Guidelines, 2015. Collection method: clinical testing. Allele origin: germline. Inheritance: Autosomal dominant inheritance. Observed: 1 variant allele, 1 heterozygote.
Comment: This missense variant replaces glutamic acid with aspartic acid at codon 530 of the MYH11 protein. Computational prediction is inconclusive regarding the impact of this variant on protein structure and function (internally defined REVEL score threshold 0.5 < inconclusive < 0.7, PMID: 27666373). To our knowledge, functional studies have not been reported for this variant. This variant has not been reported in individuals affected with MYH11-related disorders in the literature. This variant has not been identified in the general population by the Genome Aggregation Database (gnomAD). The available evidence is insufficient to determine the role of this variant in disease conclusively. Therefore, this variant is classified as a Variant of Uncertain Significance.

This study involves interpretation of variants in research participants for the purpose of population health screening. Participant phenotype was not available at the time of variant classification. Additional details can be found in publication PMID: 35346344, PMCID: PMC8962531

NM_002474.3(MYH11):c.1569G>C (p.Glu523Asp)

Gene: MYH11 (myosin heavy chain 11; minus strand). Cytogenetic location: 16p13.11.
Variant type: single nucleotide variant.
Coding change: c.1569G>C on transcript NM_002474.3 (MANE Select); coding-DNA position 1569, G replaced by C.
Protein change: p.Glu523Asp; replaces glutamic acid 523 with aspartic acid.
Molecular consequence: missense variant.
Genome position (GRCh38, 1-based): chr16:15,757,833, C>G on the plus strand (G>C on the coding strand, the complement: MYH11 is on the minus strand). VCF-style: chr16-15757833-C-G. GRCh37 (hg19) VCF-style: chr16-15851690-C-G.
Other names: c.1569G>C (NM_002474.2); c.1590G>C, p.Glu530Asp (NM_001040113.2, NM_001040114.2); c.1569G>C, p.Glu523Asp (NM_022844.3); short protein forms E523D, E530D.
Identifiers: ClinVar variation 3071897 (VCV003071897.2), dbSNP rs1555562769, ClinGen allele CA394870647.